The following is an entry in ClinVar:

NM_152617.4(RNF168):c.658dup (p.Arg220fs)

Gene: RNF168 (ring finger protein 168; minus strand). Cytogenetic location: 3q29.
Variant type: Duplication.
Coding change: c.658dup on transcript NM_152617.4 (MANE Select); coding-DNA position 658, one base duplicated (A; older notation c.658dupA).
Protein change: p.Arg220fs; shifts the reading frame from arginine 220.
Molecular consequence: frameshift variant.
Genome position (GRCh38, 1-based): chr3:196,483,792, T duplicated on the plus strand (A on the coding strand, the reverse complement: RNF168 is on the minus strand); the first of 3 consecutive T bases (chr3:196,483,792-196,483,794); duplicating any one gives the same sequence. VCF-style (leftmost placement, unchanged base first): chr3-196483791-C-CT. GRCh37 (hg19) VCF-style: chr3-196210662-C-CT.
Other names: short protein forms R220fs.
Identifiers: ClinVar variation 3610342 (VCV003610342.2).

ClinVar aggregate classification (germline): Pathogenic (1 of 4 stars; one submission).

Submission:

Labcorp Genetics (formerly Invitae), Labcorp
Classification: Pathogenic. Last evaluated: 2024-07-30. Review status: criteria provided, single submitter. Criteria: Invitae Variant Classification Sherloc (09022015). Collection method: clinical testing. Allele origin: germline.
Comment: This sequence change creates a premature translational stop signal (p.Arg220Lysfs*23) in the RNF168 gene. While this is not anticipated to result in nonsense mediated decay, it is expected to disrupt the last 352 amino acid(s) of the RNF168 protein. This variant is not present in population databases (gnomAD no frequency). This variant has not been reported in the literature in individuals affected with RNF168-related conditions. This variant disrupts a region of the RNF168 protein in which other variant(s) (p.Gln442Lysfs*45) have been determined to be pathogenic (PMID: 17940005, 19203578). This suggests that this is a clinically significant region of the protein, and that variants that disrupt it are likely to be disease-causing. For these reasons, this variant has been classified as Pathogenic.

Literature cited by the submitters: PubMed 17940005; PubMed 19203578.